The following is an entry in ClinVar:

ClinVar aggregate classification (germline): Uncertain significance (1 of 4 stars; one submission).

Conditions:
GDF6-related disorder. Also called: GDF6-related condition.

Submission:

PreventionGenetics, part of Exact Sciences
Classification: Uncertain significance for GDF6-related condition. Last evaluated: 2026-01-06. Review status: criteria provided, single submitter. Criteria: ACMG Guidelines, 2015. Collection method: clinical testing. Allele origin: germline.
Comment: The GDF6 c.354C>G variant is predicted to result in the amino acid substitution p.Phe118Leu. To our knowledge, this variant has not been reported in the literature or in a large population database (gnomAD), indicating this variant is rare. At this time, the clinical significance of this variant is uncertain due to the absence of conclusive functional and genetic evidence.

NM_001001557.4(GDF6):c.354C>G (p.Phe118Leu)

Gene: GDF6 (growth differentiation factor 6; minus strand). Cytogenetic location: 8q22.1.
Variant type: single nucleotide variant.
Coding change: c.354C>G on transcript NM_001001557.4 (MANE Select); coding-DNA position 354, C replaced by G.
Protein change: p.Phe118Leu; replaces phenylalanine 118 with leucine.
Molecular consequence: missense variant.
Genome position (GRCh38, 1-based): chr8:96,160,339, G>C on the plus strand (C>G on the coding strand, the complement: GDF6 is on the minus strand). VCF-style: chr8-96160339-G-C. GRCh37 (hg19) VCF-style: chr8-97172567-G-C.
Other names: short protein forms F118L.
Identifiers: ClinVar variation 4992623 (VCV004992623.1).